The following is an entry in ClinVar:

NM_005089.4(ZRSR2):c.1146C>A (p.Asn382Lys)

Gene: ZRSR2 (zinc finger CCCH-type, RNA binding motif and serine/arginine rich 2; plus strand). Cytogenetic location: Xp22.2.
Variant type: single nucleotide variant.
Coding change: c.1146C>A on transcript NM_005089.4 (MANE Select); coding-DNA position 1146, C replaced by A.
Protein change: p.Asn382Lys; replaces asparagine 382 with lysine.
Molecular consequence: missense variant.
Genome position (GRCh38, 1-based): chrX:15,822,939, C>A. VCF-style: chrX-15822939-C-A. GRCh37 (hg19) VCF-style: chrX-15841062-C-A.
Other names: short protein forms N382K.
Identifiers: ClinVar variation 5039129 (VCV005039129.1).

ClinVar aggregate classification (germline): Likely benign (1 of 4 stars; one submission).

gnomAD v4.1: 40 of 1,211,153 alleles (0.0033%); highest among the groups gnomAD compares: East Asian, 0.12%; no homozygotes.

Submission:

CeGaT Center for Human Genetics Tuebingen
Classification: Likely benign. Last evaluated: 2026-07-01. Review status: criteria provided, single submitter. Criteria: CeGaT Center For Human Genetics Tuebingen Variant Classification Criteria Version 2. Collection method: clinical testing. Allele origin: germline. Affected: yes. Observed: 1 variant allele.
Comment: ZRSR2: BP4, BS2